The following is an entry in ClinVar:

NM_005732.4(RAD50):c.2705A>C (p.Tyr902Ser)

Gene: RAD50 (RAD50 double strand break repair protein; plus strand). Cytogenetic location: 5q31.1.
Variant type: single nucleotide variant.
Coding change: c.2705A>C on transcript NM_005732.4 (MANE Select); coding-DNA position 2705, A replaced by C.
Protein change: p.Tyr902Ser; replaces tyrosine 902 with serine.
Molecular consequence: missense variant.
Genome position (GRCh38, 1-based): chr5:132,604,986, A>C. VCF-style: chr5-132604986-A-C. GRCh37 (hg19) VCF-style: chr5-131940678-A-C.
Other names: short protein forms Y902S.
Identifiers: ClinVar variation 232201 (VCV000232201.12), dbSNP rs876659612, ClinGen allele CA10578574.
Genomic context (GRCh38, chr5:132,604,986, plus strand): 5'-AACGTCGTCAGCAACTGGAGGAGCAGACTGTGGAATTATCCACTGAAGTTCAGTCTTTGT[A>C]CAGAGAGATAAAGGTAAGAATATCCATACATGTTTTTTGTAAAATTATTTTAATTATTTA-3'
Protein context (NP_005723.2, residues 892-912): VELSTEVQSL[Tyr902Ser]REIKDAKEQV

ClinVar aggregate classification (germline): Conflicting classifications of pathogenicity. Review status: criteria provided, conflicting classifications (1 of 4 stars). 2 submissions from 2 submitters: Uncertain significance (1); Likely benign (1). Last evaluated 2024-11-21.

Conditions:
Hereditary cancer-predisposing syndrome. Also called: Neoplastic Syndromes, Hereditary; Tumor predisposition; Hereditary Cancer Syndrome; Hereditary neoplastic syndrome. Identifiers: Orphanet 140162, MedGen C0027672, MeSH D009386, MONDO:0015356.

Submissions (2):

Ambry Genetics
Classification: Likely benign for Hereditary cancer-predisposing syndrome. Last evaluated: 2024-11-21. Review status: criteria provided, single submitter. Criteria: Ambry Variant Classification Scheme 2023. Collection method: clinical testing. Allele origin: germline.

Labcorp Genetics (formerly Invitae), Labcorp
Classification: Uncertain significance for Hereditary cancer-predisposing syndrome. Last evaluated: 2023-08-14. Review status: criteria provided, single submitter. Criteria: Invitae Variant Classification Sherloc (09022015). Collection method: clinical testing. Allele origin: germline.
Comment: This sequence change replaces tyrosine, which is neutral and polar, with serine, which is neutral and polar, at codon 902 of the RAD50 protein (p.Tyr902Ser). This variant is not present in population databases (gnomAD no frequency). This variant has not been reported in the literature in individuals affected with RAD50-related conditions. ClinVar contains an entry for this variant (Variation ID: 232201). Advanced modeling of protein sequence and biophysical properties (such as structural, functional, and spatial information, amino acid conservation, physicochemical variation, residue mobility, and thermodynamic stability) performed at Invitae indicates that this missense variant is not expected to disrupt RAD50 protein function. In summary, the available evidence is currently insufficient to determine the role of this variant in disease. Therefore, it has been classified as a Variant of Uncertain Significance.